The following is an entry in ClinVar:

ClinVar aggregate classification (germline): Uncertain significance (1 of 4 stars; one submission).

Conditions:
Severe combined immunodeficiency due to DNA-PKcs deficiency. Also called: Immunodeficiency 26 with or without neurologic abnormalities; IMMUNODEFICIENCY 26 WITH NEUROLOGIC ABNORMALITIES. Identifiers: Orphanet 317425, MedGen C4014833, MONDO:0014423, OMIM 615966.

Allele frequency attached by ClinVar (database versions not stated): ExAC 0.00002; gnomAD 0.00003; gnomAD exomes 0.00004 and 0.00008; TOPMed 0.00006; ESP Exome Variant Server 0.00017.
gnomAD v4.1: 119 of 1,613,484 alleles (0.0074%); highest among the groups gnomAD compares: Non-Finnish European, 0.0096%; no homozygotes.

Submission:

Labcorp Genetics (formerly Invitae), Labcorp
Classification: Uncertain significance for Severe combined immunodeficiency due to DNA-PKcs deficiency. Last evaluated: 2025-12-23. Review status: criteria provided, single submitter. Criteria: Invitae Variant Classification Sherloc (09022015). Collection method: clinical testing. Allele origin: germline.
Comment: This sequence change replaces isoleucine, which is neutral and non-polar, with threonine, which is neutral and polar, at codon 2511 of the PRKDC protein (p.Ile2511Thr). This variant is present in population databases (rs200452131, gnomAD 0.006%). This variant has not been reported in the literature in individuals affected with PRKDC-related conditions. ClinVar contains an entry for this variant (Variation ID: 1513988). Invitae Evidence Modeling of protein sequence and biophysical properties (such as structural, functional, and spatial information, amino acid conservation, physicochemical variation, residue mobility, and thermodynamic stability) indicates that this missense variant is not expected to disrupt PRKDC protein function with a negative predictive value of 80%. In summary, the available evidence is currently insufficient to determine the role of this variant in disease. Therefore, it has been classified as a Variant of Uncertain Significance.

NM_006904.7(PRKDC):c.7532T>C (p.Ile2511Thr)

Gene: PRKDC (protein kinase, DNA-activated, catalytic subunit; minus strand). Cytogenetic location: 8q11.21.
Variant type: single nucleotide variant.
Coding change: c.7532T>C on transcript NM_006904.7 (MANE Select); coding-DNA position 7532, T replaced by C.
Protein change: p.Ile2511Thr; replaces isoleucine 2511 with threonine.
Molecular consequence: missense variant.
Genome position (GRCh38, 1-based): chr8:47,839,169, A>G on the plus strand (T>C on the coding strand, the complement: PRKDC is on the minus strand). VCF-style: chr8-47839169-A-G. GRCh37 (hg19) VCF-style: chr8-48751730-A-G.
Other names: c.7532T>C, p.Ile2511Thr (NM_001081640.2); short protein forms I2511T.
Identifiers: ClinVar variation 1513988 (VCV001513988.6), dbSNP rs200452131, ClinGen allele CA4740093.
Genomic context (GRCh38, chr8:47,839,169, plus strand): 5'-CCTTAACATTTAATTGTCCCAGCCCAGTTATTCACGTACTGAAGTCCAGGGTTCTCATCG[A>G]TCAATCCTTGAATCAGCACATCTTTTGCCAACTTAAATATTTCCTGGGAGTCATTATCTG-3'
Protein context (NP_008835.5, residues 2501-2521): LAKDVLIQGL[Ile2511Thr]DENPGLQLII